The following is an entry in ClinVar:

ClinVar aggregate classification (germline): Uncertain significance. Review status: criteria provided, multiple submitters, no conflicts (2 of 4 stars). 2 submissions from 2 submitters: Uncertain significance (2). Last evaluated 2024-08-07.

Allele frequency attached by ClinVar (database versions not stated): gnomAD exomes 0.00001; TOPMed 0.00001; ExAC 0.00002.

Submissions (2):

Labcorp Genetics (formerly Invitae), Labcorp
Classification: Uncertain significance. Last evaluated: 2024-08-07. Review status: criteria provided, single submitter. Criteria: Invitae Variant Classification Sherloc (09022015). Collection method: clinical testing. Allele origin: germline.
Comment: This sequence change replaces proline, which is neutral and non-polar, with leucine, which is neutral and non-polar, at codon 1624 of the NYNRIN protein (p.Pro1624Leu). This variant is present in population databases (rs762806768, gnomAD 0.002%). This variant has not been reported in the literature in individuals affected with NYNRIN-related conditions. ClinVar contains an entry for this variant (Variation ID: 2392703). Experimental studies and prediction algorithms are not available or were not evaluated, and the functional significance of this variant is currently unknown. In summary, the available evidence is currently insufficient to determine the role of this variant in disease. Therefore, it has been classified as a Variant of Uncertain Significance.

Ambry Genetics
Classification: Uncertain significance. Last evaluated: 2022-10-03. Review status: criteria provided, single submitter. Criteria: Ambry Variant Classification Scheme 2023. Collection method: clinical testing. Allele origin: germline.

NM_025081.3(NYNRIN):c.4871C>T (p.Pro1624Leu)

Gene: NYNRIN (NYN domain and retroviral integrase containing; plus strand). Cytogenetic location: 14q12.
Variant type: single nucleotide variant.
Coding change: c.4871C>T on transcript NM_025081.3 (MANE Select); coding-DNA position 4871, C replaced by T.
Protein change: p.Pro1624Leu; replaces proline 1624 with leucine.
Molecular consequence: missense variant.
Genome position (GRCh38, 1-based): chr14:24,416,620, C>T. VCF-style: chr14-24416620-C-T. GRCh37 (hg19) VCF-style: chr14-24885826-C-T.
Other names: short protein forms P1624L.
Identifiers: ClinVar variation 2392703 (VCV002392703.4), dbSNP rs762806768, ClinGen allele CA7137513.